The following is an entry in ClinVar:

ClinVar aggregate classification (germline): Pathogenic (1 of 4 stars; one submission).

Submission:

Labcorp Genetics (formerly Invitae), Labcorp
Classification: Pathogenic. Last evaluated: 2024-02-24. Review status: criteria provided, single submitter. Criteria: Invitae Variant Classification Sherloc (09022015). Collection method: clinical testing. Allele origin: germline.
Comment: This sequence change creates a premature translational stop signal (p.Tyr834*) in the RBP3 gene. It is expected to result in an absent or disrupted protein product. Loss-of-function variants in RBP3 are known to be pathogenic (PMID: 9614228, 23105016, 25766589). This variant is not present in population databases (gnomAD no frequency). This variant has not been reported in the literature in individuals affected with RBP3-related conditions. ClinVar contains an entry for this variant (Variation ID: 2010302). For these reasons, this variant has been classified as Pathogenic.

Literature cited by the submitters: PubMed 9614228; PubMed 23105016; PubMed 25766589.

NM_002900.3(RBP3):c.2502C>A (p.Tyr834Ter)

Gene: RBP3 (retinol binding protein 3; plus strand). Cytogenetic location: 10q11.22.
Variant type: single nucleotide variant.
Coding change: c.2502C>A on transcript NM_002900.3 (MANE Select); coding-DNA position 2502, C replaced by A.
Protein change: p.Tyr834Ter; replaces tyrosine 834 with a stop codon.
Molecular consequence: nonsense.
Genome position (GRCh38, 1-based): chr10:47,350,986, C>A. VCF-style: chr10-47350986-C-A. GRCh37 (hg19) VCF-style: chr10-48388376-G-T.
Other names: short protein forms Y834*.
Identifiers: ClinVar variation 2010302 (VCV002010302.4), dbSNP rs144836828, ClinGen allele CA376673285.
Genomic context (GRCh38, chr10:47,350,986, plus strand): 5'-CAGGGCCACCTCAAAAGTCACGGAGGTGTGGACCTTGCCCCAGGTCGCCGGCCAGCGCTA[C>A]GGCTCACACAAGGACCTCTACATCCTGATGAGCCACACCAGTGGCTCTGCGGCCGAGGCC-3'